The following is an entry in ClinVar:

NM_001735.3(C5):c.3794A>G (p.Asn1265Ser)

Gene: C5 (complement C5; minus strand). Cytogenetic location: 9q33.2.
Variant type: single nucleotide variant.
Coding change: c.3794A>G on transcript NM_001735.3 (MANE Select); coding-DNA position 3794, A replaced by G.
Protein change: p.Asn1265Ser; replaces asparagine 1265 with serine.
Molecular consequence: missense variant.
Genome position (GRCh38, 1-based): chr9:120,976,770, T>C on the plus strand (A>G on the coding strand, the complement: C5 is on the minus strand). VCF-style: chr9-120976770-T-C. GRCh37 (hg19) VCF-style: chr9-123739048-T-C.
Other names: c.3812A>G, p.Asn1271Ser (NM_001317163.2); short protein forms N1265S, N1271S.
Identifiers: ClinVar variation 1403496 (VCV001403496.8), dbSNP rs775781584, ClinGen allele CA5217388.
Genomic context (GRCh38, chr9:120,976,770, plus strand): 5'-TAAAAGCCACCTCCATACCTCTGCTCTTCTGATAGCCATTTGATGACTGGGTTAACATAA[T>C]TTATATCTTTCAAGTTCAGACTGGTGAGTAAAGCATAGGCAGTTGTTTCTACCATACGTG-3'
Protein context (NP_001726.2, residues 1255-1275): LLTSLNLKDI[Asn1265Ser]YVNPVIKWLS

ClinVar aggregate classification (germline): Uncertain significance (1 of 4 stars; one submission).

Allele frequency attached by ClinVar (database versions not stated): TOPMed below 0.00001; ExAC 0.00001; gnomAD 0.00001; gnomAD exomes 0.00001.
gnomAD v4.1: 10 of 1,614,072 alleles (0.00062%); highest among the groups gnomAD compares: Middle Eastern, 0.016%; no homozygotes.

Submission:

Labcorp Genetics (formerly Invitae), Labcorp
Classification: Uncertain significance. Last evaluated: 2025-04-21. Review status: criteria provided, single submitter. Criteria: Invitae Variant Classification Sherloc (09022015). Collection method: clinical testing. Allele origin: germline.
Comment: This sequence change replaces asparagine, which is neutral and polar, with serine, which is neutral and polar, at codon 1265 of the C5 protein (p.Asn1265Ser). This variant is present in population databases (rs775781584, gnomAD 0.003%). This variant has not been reported in the literature in individuals affected with C5-related conditions. ClinVar contains an entry for this variant (Variation ID: 1403496). An algorithm developed to predict the effect of missense changes on protein structure and function outputs the following: PolyPhen-2: "Benign". The serine amino acid residue is found in multiple mammalian species, which suggests that this missense change does not adversely affect protein function. In summary, the available evidence is currently insufficient to determine the role of this variant in disease. Therefore, it has been classified as a Variant of Uncertain Significance.